The following is an entry in ClinVar:

ClinVar aggregate classification (germline): Likely benign (1 of 4 stars; one submission).

Submission:

CeGaT Center for Human Genetics Tuebingen
Classification: Likely benign. Last evaluated: 2024-05-01. Review status: criteria provided, single submitter. Criteria: CeGaT Center For Human Genetics Tuebingen Variant Classification Criteria Version 2. Collection method: clinical testing. Allele origin: germline. Affected: yes. Observed: 1 variant allele.
Comment: CACNA1A: PM2:Supporting, BP4, BP7

NM_001127222.2(CACNA1A):c.126C>G (p.Pro42=)

Gene: CACNA1A (calcium voltage-gated channel subunit alpha1 A; minus strand). Cytogenetic location: 19p13.13.
Variant type: single nucleotide variant.
Coding change: c.126C>G on transcript NM_001127222.2 (MANE Select); coding-DNA position 126, C replaced by G.
Protein change: p.Pro42=; no amino-acid change (proline 42 retained).
Molecular consequence: synonymous variant.
Genome position (GRCh38, 1-based): chr19:13,506,099, G>C on the plus strand (C>G on the coding strand, the complement: CACNA1A is on the minus strand). VCF-style: chr19-13506099-G-C. GRCh37 (hg19) VCF-style: chr19-13616913-G-C.
Other names: c.126C>G, p.Pro42= (NM_000068.4, NM_001127221.2, NM_001174080.2 and 1 more transcripts).
Identifiers: ClinVar variation 3239539 (VCV003239539.19), dbSNP rs1442192981.